The following is an entry in ClinVar:

NM_000143.4(FH):c.1401G>A (p.Lys467=)

Gene: FH (fumarate hydratase; minus strand). Cytogenetic location: 1q43.
Variant type: single nucleotide variant.
Coding change: c.1401G>A on transcript NM_000143.4 (MANE Select); coding-DNA position 1401, G replaced by A.
Protein change: p.Lys467=; no amino-acid change (lysine 467 retained).
Molecular consequence: synonymous variant.
Genome position (GRCh38, 1-based): chr1:241,497,960, C>T on the plus strand (G>A on the coding strand, the complement: FH is on the minus strand). VCF-style: chr1-241497960-C-T. GRCh37 (hg19) VCF-style: chr1-241661260-C-T.
Identifiers: ClinVar variation 1120941 (VCV001120941.12), dbSNP rs1464951563, ClinGen allele CA424072949.

ClinVar aggregate classification (germline): Benign/Likely benign. Review status: criteria provided, multiple submitters, no conflicts (2 of 4 stars). 3 submissions from 3 submitters: Benign (1); Likely benign (2). Last evaluated 2024-10-21.

Conditions:
Hereditary cancer-predisposing syndrome. Also called: Neoplastic Syndromes, Hereditary; Hereditary Cancer Syndrome; Hereditary neoplastic syndrome; Tumor predisposition. Identifiers: Orphanet 140162, MedGen C0027672, MeSH D009386, MONDO:0015356.
Hereditary leiomyomatosis and renal cell cancer. Also called: Reed syndrome; Multiple cutaneous and uterine leiomyomatosis; Cutaneous leiomyomata with uterine leiomyomata; Leiomyoma, hereditary multiple, of skin; Multiple cutaneous and uterine leiomyomata; Multiple cutaneous leiomyomas. Identifiers: Orphanet 523, MedGen C1708350, MONDO:0007888, OMIM 150800, HP:0007437. Disease mechanism: loss of function.

Allele frequency attached by ClinVar (database versions not stated): gnomAD exomes 0.00001.

Submissions (3):

Myriad Genetics, Inc.
Classification: Benign for Hereditary leiomyomatosis and renal cell cancer. Last evaluated: 2024-10-21. Review status: criteria provided, single submitter. Criteria: Myriad Autosomal Dominant, Autosomal Recessive and X-Linked Classification Criteria (2023). Collection method: clinical testing. Allele origin: unknown.
Comment: This variant is considered benign. This variant is a silent/synonymous amino acid change and it is not expected to impact splicing.

Ambry Genetics
Classification: Likely benign for Hereditary cancer-predisposing syndrome. Last evaluated: 2021-03-04. Review status: criteria provided, single submitter. Criteria: Ambry Variant Classification Scheme 2023. Collection method: clinical testing. Allele origin: germline.

Labcorp Genetics (formerly Invitae), Labcorp
Classification: Likely benign. Last evaluated: 2020-10-23. Review status: criteria provided, single submitter. Criteria: Invitae Variant Classification Sherloc (09022015). Collection method: clinical testing. Allele origin: germline.